The following is an entry in ClinVar:

NM_000138.5(FBN1):c.8323G>C (p.Val2775Leu)

Gene: FBN1 (fibrillin 1; minus strand). Cytogenetic location: 15q21.1.
Variant type: single nucleotide variant.
Coding change: c.8323G>C on transcript NM_000138.5 (MANE Select); coding-DNA position 8323, G replaced by C.
Protein change: p.Val2775Leu; replaces valine 2775 with leucine.
Molecular consequence: missense variant.
Genome position (GRCh38, 1-based): chr15:48,411,283, C>G on the plus strand (G>C on the coding strand, the complement: FBN1 is on the minus strand). VCF-style: chr15-48411283-C-G. GRCh37 (hg19) VCF-style: chr15-48703480-C-G.
Other names: c.8323G>C, p.Val2775Leu (NM_001406716.1); short protein forms V2775L.
Identifiers: ClinVar variation 3386743 (VCV003386743.1).

ClinVar aggregate classification (germline): Uncertain significance (1 of 4 stars; one submission).

Conditions:
Marfan syndrome (MFS). Also called: MARFAN SYNDROME, TYPE I; Marfan syndrome type 1; Marfan's syndrome; FBN1-Related Marfan Syndrome; Marfan syndrome, classic. Identifiers: Orphanet 284963, Orphanet 558, MedGen C0024796, MONDO:0007947, OMIM 154700.

Submission:

All of Us Research Program, National Institutes of Health
Classification: Uncertain significance for Marfan syndrome. Last evaluated: 2024-08-23. Review status: criteria provided, single submitter. Criteria: ACMG Guidelines, 2015. Collection method: clinical testing. Allele origin: germline. Inheritance: Autosomal dominant inheritance. Observed: 1 variant allele, 1 heterozygote.
Comment: This missense variant replaces valine with leucine at codon 2775 of the FBN1 protein. Computational prediction suggests that this variant may not impact protein structure and function (internally defined REVEL score threshold <= 0.5, PMID: 27666373). To our knowledge, functional studies have not been reported for this variant. This variant has not been reported in individuals affected with FBN1-related disorders in the literature. This variant has not been identified in the general population by the Genome Aggregation Database (gnomAD). The available evidence is insufficient to determine the role of this variant in disease conclusively. Therefore, this variant is classified as a Variant of Uncertain Significance.

This study involves interpretation of variants in research participants for the purpose of population health screening. Participant phenotype was not available at the time of variant classification. Additional details can be found in publication PMID: 35346344, PMCID: PMC8962531